The following is an entry in ClinVar:

ClinVar aggregate classification (germline): Uncertain significance (1 of 4 stars; one submission).

Submission:

GeneDx
Classification: Uncertain significance. Last evaluated: 2019-09-25. Review status: criteria provided, single submitter. Criteria: GeneDx Variant Classification Process June 2021. Collection method: clinical testing. Allele origin: germline. Affected: yes.
Comment: Not observed in large population cohorts (Lek et al., 2016); In silico analysis, which includes protein predictors and evolutionary conservation, supports a deleterious effect; Has not been previously published as pathogenic or benign to our knowledge

NM_000814.6(GABRB3):c.513C>G (p.Asp171Glu)

Gene: GABRB3 (gamma-aminobutyric acid type A receptor subunit beta3; minus strand). Cytogenetic location: 15q12.
Variant type: single nucleotide variant.
Coding change: c.513C>G on transcript NM_000814.6 (MANE Select); coding-DNA position 513, C replaced by G.
Protein change: p.Asp171Glu; replaces aspartic acid 171 with glutamic acid.
Molecular consequence: missense variant.
Genome position (GRCh38, 1-based): chr15:26,583,363, G>C on the plus strand (C>G on the coding strand, the complement: GABRB3 is on the minus strand). VCF-style: chr15-26583363-G-C. GRCh37 (hg19) VCF-style: chr15-26828510-G-C.
Other names: c.258C>G, p.Asp86Glu (NM_001191320.2, NM_001278631.2); c.300C>G, p.Asp100Glu (NM_001191321.3); c.513C>G, p.Asp171Glu (NM_021912.5); short protein forms D100E, D171E, D86E.
Identifiers: ClinVar variation 1320937 (VCV001320937.2), dbSNP rs200507900, ClinGen allele CA391458036.